The following is an entry in ClinVar:

ClinVar aggregate classification (germline): Uncertain significance (1 of 4 stars; one submission).

Submission:

Labcorp Genetics (formerly Invitae), Labcorp
Classification: Uncertain significance. Last evaluated: 2025-03-06. Review status: criteria provided, single submitter. Criteria: Invitae Variant Classification Sherloc (09022015). Collection method: clinical testing. Allele origin: germline.
Comment: This sequence change replaces tryptophan, which is neutral and slightly polar, with arginine, which is basic and polar, at codon 258 of the ANKRD26 protein (p.Trp258Arg). This variant is not present in population databases (gnomAD no frequency). This variant has not been reported in the literature in individuals affected with ANKRD26-related conditions. An algorithm developed to predict the effect of missense changes on protein structure and function (PolyPhen-2) suggests that this variant is likely to be disruptive. In summary, the available evidence is currently insufficient to determine the role of this variant in disease. Therefore, it has been classified as a Variant of Uncertain Significance.

NM_014915.3(ANKRD26):c.772T>C (p.Trp258Arg)

Gene: ANKRD26 (ankyrin repeat domain 26; minus strand). Cytogenetic location: 10p12.1.
Variant type: single nucleotide variant.
Coding change: c.772T>C on transcript NM_014915.3 (MANE Select); coding-DNA position 772, T replaced by C.
Protein change: p.Trp258Arg; replaces tryptophan 258 with arginine.
Molecular consequence: missense variant.
Genome position (GRCh38, 1-based): chr10:27,079,130, A>G on the plus strand (T>C on the coding strand, the complement: ANKRD26 is on the minus strand). VCF-style: chr10-27079130-A-G. GRCh37 (hg19) VCF-style: chr10-27368059-A-G.
Other names: c.772T>C, p.Trp258Arg (NM_001256053.2); short protein forms W258R.
Identifiers: ClinVar variation 4714542 (VCV004714542.1).